The following is an entry in ClinVar:

NM_001292063.2(OTOG):c.4606C>T (p.Leu1536Phe)

Gene: OTOG (otogelin; plus strand). Cytogenetic location: 11p15.1.
Variant type: single nucleotide variant.
Coding change: c.4606C>T on transcript NM_001292063.2 (MANE Select); coding-DNA position 4606, C replaced by T.
Protein change: p.Leu1536Phe; replaces leucine 1536 with phenylalanine.
Molecular consequence: missense variant.
Genome position (GRCh38, 1-based): chr11:17,609,906, C>T. VCF-style: chr11-17609906-C-T. GRCh37 (hg19) VCF-style: chr11-17631453-C-T.
Other names: c.[4642C>T] (NM_001277269.2); c.4642C>T, p.Leu1548Phe (NM_001277269.2); short protein forms L1548F, L1536F.
Identifiers: ClinVar variation 226894 (VCV000226894.43), dbSNP rs117380920, ClinGen allele CA5905856.

ClinVar aggregate classification (germline): Benign/Likely benign. Review status: criteria provided, multiple submitters, no conflicts (2 of 4 stars). 8 submissions from 8 submitters: Benign (5); Likely benign (3). Last evaluated 2026-08-01.

Conditions:
Meniere disease. Also called: Ménière's disease. Identifiers: MedGen C0025281, MONDO:0007972, OMIM 156000.

Allele frequency attached by ClinVar (database versions not stated): 1000 Genomes Project 0.00459; 1000 Genomes Project 30x 0.00468; gnomAD 0.00782 and 0.00806; gnomAD exomes 0.00823 and 0.01102; TOPMed 0.00907; ExAC 0.01072.
gnomAD v4.1: 16,222 of 1,521,602 alleles (1.1%); highest among the groups gnomAD compares: Middle Eastern, 1.3%; 96 homozygotes.

Submissions (8):

CeGaT Center for Human Genetics Tuebingen
Classification: Benign. Last evaluated: 2026-08-01. Review status: criteria provided, single submitter. Criteria: CeGaT Center For Human Genetics Tuebingen Variant Classification Criteria Version 2. Collection method: clinical testing. Allele origin: germline. Affected: yes. Observed: 17 variant alleles.
Comment: OTOG: BP4, BS1, BS2

Labcorp Genetics (formerly Invitae), Labcorp
Classification: Benign. Last evaluated: 2026-02-01. Review status: criteria provided, single submitter. Criteria: Invitae Variant Classification Sherloc (09022015). Collection method: clinical testing. Allele origin: germline.

Blueprint Genetics
Classification: Likely benign. Last evaluated: 2024-11-27. Review status: criteria provided, single submitter. Criteria: ACMG Guidelines, 2015. Collection method: clinical testing. Allele origin: germline.

Otology & Neurotology- Genomics of vestibular disorders (CTS-495), Jose Antonio López Escámez, Centro Pfizer - Universidad de Granada - Junta de Andalucía de Genómica e Investigación Oncológica (GENYO)
Classification: Likely benign for Meniere disease. Last evaluated: 2020-01-01. Review status: criteria provided, single submitter. Criteria: ACMG Guidelines, 2015. Collection method: case-control. Allele origin: germline. Affected: yes. Observed: 3 variant alleles, 3 heterozygotes. Clinical features observed: Sensorineural hearing loss (HP:0000407), Vertigo (HP:0002321), Tinnitus (HP:0000360).

GeneDx
Classification: Benign. Last evaluated: 2019-04-23. Review status: criteria provided, single submitter. Criteria: GeneDx Variant Classification Process June 2021. Collection method: clinical testing. Allele origin: germline. Affected: yes.

Athena Diagnostics
Classification: Benign. Last evaluated: 2018-09-20. Review status: criteria provided, single submitter. Criteria: Athena Diagnostics Criteria. Collection method: clinical testing. Allele origin: germline.

Laboratory for Molecular Medicine, Mass General Brigham Personalized Medicine
Classification: Benign. Last evaluated: 2014-11-24. Review status: criteria provided, single submitter. Criteria: LMM Criteria. Collection method: clinical testing. Allele origin: germline. Observed: 25 variant alleles.
Comment: Leu1548Phe in exon 35 of OTOG: This variant is not expected to have clinical sig nificance because it has been identified in 4.2% (5/120) of Colombian chromosome s from a broad population by the 1000 Genomes Project (ov/projects/SNP; dbSNP rs117380920).

Breakthrough Genomics
Classification: Likely benign. Review status: criteria provided, single submitter. Criteria: ACMG Guidelines, 2015. Collection method: not provided. Allele origin: germline. Inheritance: Autosomal recessive inheritance. Affected: yes.